The following is an entry in ClinVar:

ClinVar aggregate classification (germline): Uncertain significance (1 of 4 stars; one submission).

gnomAD v4.1: 1 of 1,614,090 alleles (0.000062%); highest among the groups gnomAD compares: Non-Finnish European, 0.000085%; no homozygotes.

Submission:

Labcorp Genetics (formerly Invitae), Labcorp
Classification: Uncertain significance. Last evaluated: 2024-11-04. Review status: criteria provided, single submitter. Criteria: Invitae Variant Classification Sherloc (09022015). Collection method: clinical testing. Allele origin: germline.
Comment: This sequence change replaces serine, which is neutral and polar, with asparagine, which is neutral and polar, at codon 2152 of the KMT2A protein (p.Ser2152Asn). This variant is not present in population databases (gnomAD no frequency). This variant has not been reported in the literature in individuals affected with KMT2A-related conditions. Invitae Evidence Modeling of protein sequence and biophysical properties (such as structural, functional, and spatial information, amino acid conservation, physicochemical variation, residue mobility, and thermodynamic stability) indicates that this missense variant is not expected to disrupt KMT2A protein function with a negative predictive value of 95%. In summary, the available evidence is currently insufficient to determine the role of this variant in disease. Therefore, it has been classified as a Variant of Uncertain Significance.

NM_001197104.2(KMT2A):c.6455G>A (p.Ser2152Asn)

Gene: KMT2A (lysine methyltransferase 2A; plus strand). Cytogenetic location: 11q23.3.
Variant type: single nucleotide variant.
Coding change: c.6455G>A on transcript NM_001197104.2 (MANE Select); coding-DNA position 6455, G replaced by A.
Protein change: p.Ser2152Asn; replaces serine 2152 with asparagine.
Molecular consequence: missense variant.
Genome position (GRCh38, 1-based): chr11:118,501,807, G>A. VCF-style: chr11-118501807-G-A. GRCh37 (hg19) VCF-style: chr11-118372522-G-A.
Other names: c.6545G>A, p.Ser2182Asn (NM_001412597.1); c.6446G>A, p.Ser2149Asn (NM_005933.4); short protein forms S2152N, S2182N, S2149N.
Identifiers: ClinVar variation 3634328 (VCV003634328.2).